The following is an entry in ClinVar:

NM_000037.4(ANK1):c.*395T>A

Gene: ANK1 (ankyrin 1; minus strand). Cytogenetic location: 8p11.21.
Variant type: single nucleotide variant.
Coding change: c.*395T>A on transcript NM_000037.4 (MANE Select); 395 bases downstream of the stop codon, T replaced by A.
Molecular consequence: 3 prime UTR variant.
Genome position (GRCh38, 1-based): chr8:41,655,395, A>T on the plus strand (T>A on the coding strand, the complement: ANK1 is on the minus strand). VCF-style: chr8-41655395-A-T. GRCh37 (hg19) VCF-style: chr8-41512914-A-T.
Other names: c.*332T>A (NM_001142445.2, NM_001142446.2, NM_020475.3 and 3 more transcripts); c.*395T>A (NM_020478.5).
Identifiers: ClinVar variation 908824 (VCV000908824.4), dbSNP rs550204540, ClinGen allele CA175910269.

ClinVar aggregate classification (germline): Conflicting classifications of pathogenicity. Review status: criteria provided, conflicting classifications (1 of 4 stars). 2 submissions from 1 submitter: Uncertain significance (1); Likely benign (1). Last evaluated 2018-01-12.

Conditions:
Spherocytosis. Identifiers: MedGen C0553720, HP:0004444.
Hereditary spherocytosis type 1. Also called: Spherocytosis type 1; ANK1-Related Spherocytosis. Identifiers: Orphanet 822, MedGen C2674218, MONDO:0008447, OMIM 182900.

Allele frequency attached by ClinVar (database versions not stated): gnomAD exomes 0.00042; gnomAD 0.00049 and 0.00054; 1000 Genomes Project 0.00060; 1000 Genomes Project 30x 0.00062; TOPMed 0.00065.
gnomAD v4.1: 118 of 246,726 alleles (0.048%); highest among the groups gnomAD compares: East Asian, 0.29%; no homozygotes.

Submissions (2):

Illumina Laboratory Services, Illumina
Classification: Uncertain significance for Spherocytosis. Last evaluated: 2018-01-12. Review status: criteria provided, single submitter. Criteria: ICSL Variant Classification Criteria 13 December 2019. Collection method: clinical testing. Allele origin: germline.

Illumina Laboratory Services, Illumina
Classification: Likely benign for Hereditary spherocytosis type 1. Last evaluated: 2018-01-12. Review status: criteria provided, single submitter. Criteria: ICSL Variant Classification Criteria 13 December 2019. Collection method: clinical testing. Allele origin: germline.
Comment: This variant was observed in the ICSL laboratory as part of a predisposition screen in an ostensibly healthy population. It had not been previously curated by ICSL or reported in the Human Gene Mutation Database (HGMD: prior to June 1st, 2018), and was therefore a candidate for classification through an automated scoring system. Utilizing variant allele frequency, disease prevalence and penetrance estimates, and inheritance mode, an automated score was calculated to assess if this variant is too frequent to cause the disease. Based on the score and internal cut-off values, a variant classified as likely benign is not then subjected to further curation. The score for this variant resulted in a classification of likely benign for this disease.